The following is an entry in ClinVar:

ClinVar aggregate classification (germline): Likely benign. Review status: criteria provided, multiple submitters, no conflicts (2 of 4 stars). 2 submissions from 2 submitters: Likely benign (2). Last evaluated 2026-08-14.

Conditions:
P4HA2-related disorder. Also called: P4HA2-related condition.

Allele frequency attached by ClinVar (database versions not stated): ExAC 0.00017; TOPMed 0.00020; gnomAD exomes 0.00021; ESP Exome Variant Server 0.00023.
gnomAD v4.1: 430 of 1,613,136 alleles (0.027%); highest among the groups gnomAD compares: Admixed American, 0.04%; 1 homozygote.

Submissions (2):

PreventionGenetics, part of Exact Sciences
Classification: Likely benign for P4HA2-related condition. Last evaluated: 2026-08-14. Review status: criteria provided, single submitter. Criteria: ACMG Guidelines, 2015. Collection method: clinical testing. Allele origin: germline.
Comment: This variant is classified as likely benign based on ACMG/AMP sequence variant interpretation guidelines (Richards et al. 2015 PMID: 25741868, with internal and published modifications).

Labcorp Genetics (formerly Invitae), Labcorp
Classification: Likely benign. Last evaluated: 2017-12-13. Review status: criteria provided, single submitter. Criteria: Invitae Variant Classification Sherloc (09022015). Collection method: clinical testing. Allele origin: germline.

NM_001017974.2(P4HA2):c.63C>T (p.Ala21=)

Gene: P4HA2 (prolyl 4-hydroxylase subunit alpha 2; minus strand). Cytogenetic location: 5q31.1.
Variant type: single nucleotide variant.
Coding change: c.63C>T on transcript NM_001017974.2 (MANE Select); coding-DNA position 63, C replaced by T.
Protein change: p.Ala21=; no amino-acid change (alanine 21 retained).
Molecular consequence: synonymous variant.
Genome position (GRCh38, 1-based): chr5:132,218,564, G>A on the plus strand (C>T on the coding strand, the complement: P4HA2 is on the minus strand). VCF-style: chr5-132218564-G-A. GRCh37 (hg19) VCF-style: chr5-131554257-G-A.
Other names: c.63C>T, p.Ala21= (NM_001142598.2, NM_001142599.2, NM_001365677.2 and 5 more transcripts).
Identifiers: ClinVar variation 721479 (VCV000721479.4), dbSNP rs202229926, ClinGen allele CA3402864.